The following is an entry in ClinVar:

NM_032634.4(PIGO):c.2743A>G (p.Ile915Val)

Gene: PIGO (phosphatidylinositol glycan anchor biosynthesis class O; minus strand). Cytogenetic location: 9p13.3.
Variant type: single nucleotide variant.
Coding change: c.2743A>G on transcript NM_032634.4 (MANE Select); coding-DNA position 2743, A replaced by G.
Protein change: p.Ile915Val; replaces isoleucine 915 with valine.
Molecular consequence: missense variant.
Genome position (GRCh38, 1-based): chr9:35,090,577, T>C on the plus strand (A>G on the coding strand, the complement: PIGO is on the minus strand). VCF-style: chr9-35090577-T-C. GRCh37 (hg19) VCF-style: chr9-35090574-T-C.
Other names: c.1492A>G, p.Ile498Val (NM_001201484.2, NM_152850.4); short protein forms I915V, I498V.
Identifiers: ClinVar variation 473227 (VCV000473227.8), dbSNP rs1554672147, ClinGen allele CA373318275.

ClinVar aggregate classification (germline): Uncertain significance (1 of 4 stars; one submission).

Conditions:
Hyperphosphatasia with impaired intellectual development syndrome 2. Also called: GLYCOSYLPHOSPHATIDYLINOSITOL BIOSYNTHESIS DEFECT 6; Hyperphosphatasia with intellectual disability syndrome 2. Identifiers: Orphanet 247262, MedGen C3553637, MONDO:0013882, OMIM 614749.

Submission:

Labcorp Genetics (formerly Invitae), Labcorp
Classification: Uncertain significance for Hyperphosphatasia with impaired intellectual development syndrome 2. Last evaluated: 2022-12-06. Review status: criteria provided, single submitter. Criteria: Invitae Variant Classification Sherloc (09022015). Collection method: clinical testing. Allele origin: germline.
Comment: Advanced modeling of protein sequence and biophysical properties (such as structural, functional, and spatial information, amino acid conservation, physicochemical variation, residue mobility, and thermodynamic stability) performed at Invitae indicates that this missense variant is not expected to disrupt PIGO protein function. In summary, the available evidence is currently insufficient to determine the role of this variant in disease. Therefore, it has been classified as a Variant of Uncertain Significance. ClinVar contains an entry for this variant (Variation ID: 473227). This sequence change replaces isoleucine, which is neutral and non-polar, with valine, which is neutral and non-polar, at codon 915 of the PIGO protein (p.Ile915Val). This variant is not present in population databases (gnomAD no frequency). This variant has not been reported in the literature in individuals affected with PIGO-related conditions.